The following is an entry in ClinVar:

ClinVar aggregate classification (germline): Benign. Review status: criteria provided, multiple submitters, no conflicts (2 of 4 stars). 2 submissions from 2 submitters: Benign (2). Last evaluated 2025-02-16.

Conditions:
Leigh syndrome (NULS). Also called: Leigh's necrotizing encephalopathy; Leigh's disease; Leigh's syndrome; LEIGH SYNDROME, NUCLEAR; Leigh Syndrome (mtDNA deletion); Leigh Disease. Identifiers: Orphanet 506, MedGen C2931891, MONDO:0009723, OMIM 256000.

Submissions (2):

Laboratory of Genetics, Children's Clinical University Hospital Latvia
Classification: Benign. Last evaluated: 2025-02-16. Review status: criteria provided, single submitter. Criteria: ACMG Guidelines, 2015. Collection method: clinical testing. Allele origin: germline. Affected: yes.

Wong Mito Lab, Molecular and Human Genetics, Baylor College of Medicine
Classification: Benign for Leigh syndrome. Last evaluated: 2019-10-17. Review status: criteria provided, single submitter. Criteria: Modified ACMG Guidelines (Unpublished). Collection method: clinical testing. Allele origin: germline.
Comment: The NC_012920.1:m.14861G>A (YP_003024038.1:p.Ala39Thr) variant in MTCYB gene is interpretated to be a Benign variant based on the modified ACMG guidelines (unpublished). This variant meets the following evidence codes: BS1, BS2, BP4

NC_012920.1(MT-CYB):m.14861G>A

Gene: MT-CYB (mitochondrially encoded cytochrome b; plus strand).
Variant type: single nucleotide variant.
Genome position: chrM-14861-G-A.
Identifiers: ClinVar variation 693778 (VCV000693778.2), dbSNP rs2853505, ClinGen allele CA337100175.
Genomic context (GRCh38, chrMT:14,861, plus strand): 5'-ATCGACCTCCCCACCCCATCCAACATCTCCGCATGATGAAACTTCGGCTCACTCCTTGGC[G>A]CCTGCCTGATCCTCCAAATCACCACAGGACTATTCCTAGCCATGCACTACTCACCAGACG-3'